The following is an entry in ClinVar:

ClinVar aggregate classification (germline): Benign. Review status: reviewed by expert panel (3 of 4 stars). 17 submissions from 17 submitters: Benign (1). 16 of the submissions do not count toward it. Last evaluated 2017-06-29.

Conditions:
Hereditary cancer-predisposing syndrome. Also called: Hereditary Cancer Syndrome; Tumor predisposition; Neoplastic Syndromes, Hereditary; Hereditary neoplastic syndrome. Identifiers: Orphanet 140162, MedGen C0027672, MeSH D009386, MONDO:0015356.
Hereditary breast ovarian cancer syndrome. Also called: Breast and ovarian cancer; BRCA1- and BRCA2-Associated Hereditary Breast and Ovarian Cancer; Hereditary breast and ovarian cancer; Hereditary breast and ovarian cancer syndrome (HBOC); Hereditary breast and ovarian cancer syndrome; Hereditary breast and/or ovarian cancer syndrome. Identifiers: Orphanet 145, MedGen C0677776, MeSH D061325, MONDO:0003582. Disease mechanism: loss of function.
Breast-ovarian cancer, familial, susceptibility to, 2 (BROVCA2). Also called: BRCA2 Hereditary Breast and Ovarian Cancer. Identifiers: Orphanet 145, MedGen C2675520, MONDO:0012933, OMIM 612555. Disease mechanism: loss of function.
Familial cancer of breast. Also called: BREAST CANCER, FAMILIAL; hereditary breast carcinoma; Hereditary breast cancer. Identifiers: Orphanet 227535, MedGen C0346153, MONDO:0016419, OMIM 114480. Disease mechanism: loss of function.

Allele frequency attached by ClinVar (database versions not stated): gnomAD 0.00006 and 0.00013; gnomAD exomes 0.00007 and 0.00038; TOPMed 0.00014; ExAC 0.00030; 1000 Genomes Project 30x 0.00125; 1000 Genomes Project 0.00140.
gnomAD v4.1: 133 of 1,611,832 alleles (0.0083%); highest among the groups gnomAD compares: East Asian, 0.26%; 1 homozygote.

Submissions (18):

Evidence-based Network for the Interpretation of Germline Mutant Alleles (ENIGMA)
Classification: Benign for Breast-ovarian cancer, familial, susceptibility to, 2. Last evaluated: 2017-06-29. Review status: reviewed by expert panel. Criteria: ENIGMA BRCA1/2 Classification Criteria (2017-06-29). Collection method: curation. Allele origin: germline.
Comment: Synonymous substitution variant, with low bioinformatic likelihood to alter mRNA splicing (splicing prior 0.02) and frequency 0.0041 (East Asian), derived from ExAC (2014-12-17).

Labcorp Genetics (formerly Invitae), Labcorp
Classification: Benign for Hereditary breast ovarian cancer syndrome. Last evaluated: 2026-01-31. Review status: criteria provided, single submitter. Criteria: Invitae Variant Classification Sherloc (09022015). Collection method: clinical testing. Allele origin: germline. Not counted in ClinVar's aggregate classification.

Institute for Biomarker Research, Medical Diagnostic Laboratories, L.L.C.
Classification: Benign for Hereditary breast ovarian cancer syndrome. Last evaluated: 2025-10-14. Review status: criteria provided, single submitter. Criteria: ACMG Guidelines, 2015. Collection method: clinical testing. Allele origin: germline. Not counted in ClinVar's aggregate classification.
Comment: The synonymous variant NM_000059.4(BRCA2):c.1362A>G (p.Lys454=) has been reported to ClinVar as Benign with a status of (3 stars) reviewed by expert panel (Variation ID 51108 as of 2025-10-02). The p.Lys454= variant is not predicted to disrupt an existing splice site. The p.Lys454= variant is predicted to introduce a novel splice site by 1 of 4 splice site algorithms. The p.Lys454= variant results in a substitution of a base that is not predicted conserved by GERP++ and PhyloP. For these reasons, this variant has been classified as Benign.

CeGaT Center for Human Genetics Tuebingen
Classification: Likely benign. Last evaluated: 2025-09-01. Review status: criteria provided, single submitter. Criteria: CeGaT Center For Human Genetics Tuebingen Variant Classification Criteria Version 2. Collection method: clinical testing. Allele origin: germline. Affected: yes. Observed: 1 variant allele. Not counted in ClinVar's aggregate classification.
Comment: BRCA2: BP4, BP7

Center for Genomic Medicine, Rigshospitalet, Copenhagen University Hospital
Classification: Benign. Last evaluated: 2025-03-04. Review status: criteria provided, single submitter. Criteria: ACMG Guidelines, 2015. Collection method: clinical testing. Allele origin: germline. Not counted in ClinVar's aggregate classification.

Blueprint Genetics
Classification: Likely benign. Last evaluated: 2024-01-09. Review status: criteria provided, single submitter. Criteria: ACMG Guidelines, 2015. Collection method: clinical testing. Allele origin: germline. Not counted in ClinVar's aggregate classification.

Sema4
Classification: Benign for Hereditary cancer-predisposing syndrome. Last evaluated: 2020-10-29. Review status: criteria provided, single submitter. Criteria: Sema4 Curation Guidelines. Collection method: curation. Allele origin: germline. Not counted in ClinVar's aggregate classification.

ARUP Laboratories, Molecular Genetics and Genomics, ARUP Laboratories
Classification: Benign. Last evaluated: 2018-04-24. Review status: criteria provided, single submitter. Criteria: ARUP Molecular Germline Variant Investigation Process. Collection method: clinical testing. Allele origin: germline. Not counted in ClinVar's aggregate classification.

Cancer Genetics and Genomics Laboratory, British Columbia Cancer Agency
Classification: Benign. Last evaluated: 2017-04-18. Review status: criteria provided, single submitter. Criteria: ACMG Guidelines, 2015. Collection method: clinical testing. Allele origin: germline. Study: The Canadian Open Genetics Repository (COGR). Not counted in ClinVar's aggregate classification.

Baylor Genetics
Classification: Benign for Familial cancer of breast. Last evaluated: 2017-02-23. Review status: criteria provided, single submitter. Criteria: ACMG Guidelines, 2015. Collection method: clinical testing. Allele origin: germline. Inheritance: Autosomal dominant inheritance. Affected: no. Not counted in ClinVar's aggregate classification.

Genetic Services Laboratory, University of Chicago
Classification: Likely benign. Last evaluated: 2015-10-07. Review status: criteria provided, single submitter. Criteria: ACMG Guidelines, 2015. Collection method: clinical testing. Allele origin: germline. Affected: no. Not counted in ClinVar's aggregate classification.

Color Diagnostics, LLC DBA Color Health
Classification: Likely benign for Hereditary cancer-predisposing syndrome. Last evaluated: 2015-04-22. Review status: criteria provided, single submitter. Criteria: ACMG Guidelines, 2015. Collection method: clinical testing. Allele origin: germline. Not counted in ClinVar's aggregate classification.

Ambry Genetics
Classification: Likely benign for Hereditary cancer-predisposing syndrome. Last evaluated: 2014-10-29. Review status: criteria provided, single submitter. Criteria: Ambry Variant Classification Scheme 2023. Collection method: clinical testing. Allele origin: germline. Not counted in ClinVar's aggregate classification.

PreventionGenetics, part of Exact Sciences
Classification: Benign. Review status: criteria provided, single submitter. Criteria: ACMG Guidelines, 2015. Collection method: clinical testing. Allele origin: germline. Not counted in ClinVar's aggregate classification.

Counsyl
Classification: Likely benign for Breast-ovarian cancer, familial, susceptibility to, 2. Last evaluated: 2016-02-19. Review status: no assertion criteria provided. Collection method: clinical testing. Allele origin: unknown. Not counted in ClinVar's aggregate classification.

Breast Cancer Information Core (BIC) (BRCA2)
Classification: Benign for Breast-ovarian cancer, familial 2. Last evaluated: 2010-09-18. Review status: no assertion criteria provided. Collection method: clinical testing. Allele origin: germline. Affected: yes. Observed: 4 variant alleles. Not counted in ClinVar's aggregate classification.

Department of Pathology and Laboratory Medicine, Sinai Health System
Classification: Benign. Review status: no assertion criteria provided. Collection method: clinical testing. Allele origin: unknown. Affected: yes. Study: The Canadian Open Genetics Repository (COGR). Not counted in ClinVar's aggregate classification.
Comment: This variant is not expected to have clinical significance because it occurs at a poorly conserved residue, does not alter an amino acid residue, is not located near a splice junction, is listed in dbSNP (rs55919657) and the 1000 genome project, and is reported as not clinically important in the BIC database. Based on the above information this variant is classified as benign.

Dr. Peter K. Rogan Lab, Western University
No classification provided (evidence only). Condition: Malignant tumor of esophagus. Review status: no classification provided. Collection method: in vitro. Allele origin: not applicable. Functional consequence: retained intron. Not counted in ClinVar's aggregate classification.

Literature cited by the submitters: PubMed 22711857 (cited by Counsyl).

NM_000059.4(BRCA2):c.1362A>G (p.Lys454=)

Gene: BRCA2 (BRCA2 DNA repair associated; plus strand). Cytogenetic location: 13q13.1.
Variant type: single nucleotide variant.
Coding change: c.1362A>G on transcript NM_000059.4 (MANE Select); coding-DNA position 1362, A replaced by G.
Protein change: p.Lys454=; no amino-acid change (lysine 454 retained).
Molecular consequence: synonymous variant.
Genome position (GRCh38, 1-based): chr13:32,332,840, A>G. VCF-style: chr13-32332840-A-G. GRCh37 (hg19) VCF-style: chr13-32906977-A-G.
Other names: K454K.
Identifiers: ClinVar variation 51108 (VCV000051108.42), dbSNP rs55919657, ClinGen allele CA011759.
Genomic context (GRCh38, chr13:32,332,840, plus strand): 5'-AAGAAAGAAAGATTTTCTTACTTCAGAGAATTCTTTGCCACGTATTTCTAGCCTACCAAA[A>G]TCAGAGAAGCCATTAAATGAGGAAACAGTGGTAAATAAGAGAGATGAAGAGCAGCATCTT-3'
Protein context (NP_000050.3, residues 444-464): NSLPRISSLP[Lys454=]SEKPLNEETV